The following is an entry in ClinVar:

NM_004006.3(DMD):c.4214A>T (p.Gln1405Leu)

Gene: DMD (dystrophin; minus strand). Cytogenetic location: Xp21.1.
Variant type: single nucleotide variant.
Coding change: c.4214A>T on transcript NM_004006.3 (MANE Select); coding-DNA position 4214, A replaced by T.
Protein change: p.Gln1405Leu; replaces glutamine 1405 with leucine.
Molecular consequence: missense variant.
Genome position (GRCh38, 1-based): chrX:32,411,771, T>A on the plus strand (A>T on the coding strand, the complement: DMD is on the minus strand). VCF-style: chrX-32411771-T-A. GRCh37 (hg19) VCF-style: chrX-32429888-T-A.
Other names: c.4214A>T (NM_004006.2); c.4190A>T, p.Gln1397Leu (NM_000109.4); c.4202A>T, p.Gln1401Leu (NM_004009.3); c.3845A>T, p.Gln1282Leu (NM_004010.3); c.191A>T, p.Gln64Leu (NM_004011.4); c.182A>T, p.Gln61Leu (NM_004012.4); short protein forms Q1401L, Q1397L, Q64L, Q1282L, Q1405L, Q61L.
Identifiers: ClinVar variation 1042509 (VCV001042509.6), dbSNP rs2098142833, ClinGen allele CA412666055.
Genomic context (GRCh38, chrX:32,411,771, plus strand): 5'-TAAAAACAAAAGAATGGAAGCTGATTCCCAGATGTACTTGCCTGGGCTTCCTGAGGCATT[T>A]GAGCTGCGTCCACCTTGTCTGCAATATAAGCTGCCAACTGCTTGTCAATGAATGTGAGGG-3'
Protein context (NP_003997.2, residues 1395-1415): AYIADKVDAA[Gln1405Leu]MPQEAQKIQS

ClinVar aggregate classification (germline): Uncertain significance. Review status: criteria provided, multiple submitters, no conflicts (2 of 4 stars). 3 submissions from 3 submitters: Uncertain significance (2). 1 of the submissions does not count toward it. Last evaluated 2023-02-22.

Conditions:
Cardiomyopathy (CMYO). Also called: Cardiomyopathies. Identifiers: Orphanet 167848, MedGen C0878544, MONDO:0004994, HP:0001638. Inheritance: Various modes of inheritance.
Dystrophin deficiency.
Duchenne muscular dystrophy (DMD). Also called: MUSCULAR DYSTROPHY, PSEUDOHYPERTROPHIC PROGRESSIVE, DUCHENNE TYPE; Duchenne Muscular Dystrophy (DMD). Identifiers: Orphanet 98896, MedGen C0013264, MONDO:0010679, OMIM 310200.
Becker muscular dystrophy (BMD). Also called: Becker Muscular Dystrophy (BMD); MUSCULAR DYSTROPHY, PSEUDOHYPERTROPHIC PROGRESSIVE, BECKER TYPE. Identifiers: Orphanet 98895, MedGen C0917713, MONDO:0010311, OMIM 300376.
Cardiovascular phenotype. Identifiers: MedGen CN230736.

Allele frequency attached by ClinVar (database versions not stated): TOPMed 0.00001; gnomAD exomes below 0.00001.
gnomAD v4.1: 2 of 1,211,489 alleles (0.00017%); highest among the groups gnomAD compares: Middle Eastern, 0.046%; no homozygotes.

Submissions (3):

Ambry Genetics
Classification: Uncertain significance for Cardiovascular phenotype. Last evaluated: 2023-02-22. Review status: criteria provided, single submitter. Criteria: Ambry Variant Classification Scheme 2023. Collection method: clinical testing. Allele origin: germline.
Comment: The p.Q1405L variant (also known as c.4214A>T), located in coding exon 30 of the DMD gene, results from an A to T substitution at nucleotide position 4214. The glutamine at codon 1405 is replaced by leucine, an amino acid with dissimilar properties. This amino acid position is highly conserved in available vertebrate species. In addition, this alteration is predicted to be tolerated by in silico analysis. Since supporting evidence is limited at this time, the clinical significance of this alteration remains unclear.

Labcorp Genetics (formerly Invitae), Labcorp
Classification: Uncertain significance for Duchenne muscular dystrophy. Last evaluated: 2022-08-23. Review status: criteria provided, single submitter. Criteria: Invitae Variant Classification Sherloc (09022015). Collection method: clinical testing. Allele origin: germline.
Comment: In summary, the available evidence is currently insufficient to determine the role of this variant in disease. Therefore, it has been classified as a Variant of Uncertain Significance. Algorithms developed to predict the effect of missense changes on protein structure and function are either unavailable or do not agree on the potential impact of this missense change (SIFT: "Deleterious"; PolyPhen-2: "Benign"; Align-GVGD: "Class C25"). ClinVar contains an entry for this variant (Variation ID: 1042509). This variant has not been reported in the literature in individuals affected with DMD-related conditions. This variant is not present in population databases (gnomAD no frequency). This sequence change replaces glutamine, which is neutral and polar, with leucine, which is neutral and non-polar, at codon 1405 of the DMD protein (p.Gln1405Leu).

Natera, Inc.
Classification: Uncertain significance for Becker muscular dystrophy; Cardiomyopathy; Duchenne muscular dystrophy; Dystrophin deficiency. Last evaluated: 2019-07-19. Review status: no assertion criteria provided. Collection method: clinical testing. Allele origin: germline. Not counted in ClinVar's aggregate classification.